The following is an entry in ClinVar:

NM_001904.4(CTNNB1):c.1564G>A (p.Ala522Thr)

Genes: CTNNB1 (catenin beta 1; plus strand), LOC126806659 (BRD4-independent group 4 enhancer GRCh37_chr3:41274918-41276117; plus strand). Cytogenetic location: 3p22.1.
Variant type: single nucleotide variant.
Coding change: c.1564G>A on transcript NM_001904.4 (MANE Select); coding-DNA position 1564, G replaced by A.
Protein change: p.Ala522Thr; replaces alanine 522 with threonine.
Molecular consequence: missense variant.
Genome position (GRCh38, 1-based): chr3:41,234,178, G>A. VCF-style: chr3-41234178-G-A. GRCh37 (hg19) VCF-style: chr3-41275669-G-A.
Other names: c.1564G>A, p.Ala522Thr (NM_001098209.2, NM_001098210.2); c.1543G>A, p.Ala515Thr (NM_001330729.2); short protein forms A515T, A522T.
Identifiers: ClinVar variation 1206714 (VCV001206714.46), dbSNP rs764576683, ClinGen allele CA2331124.
Genomic context (GRCh38, chr3:41,234,178, plus strand): 5'-GTTCTTCCTTCTGTTTTTCAGGCTACTGTTGGATTGATTCGAAATCTTGCCCTTTGTCCC[G>A]CAAATCATGCACCTTTGCGTGAGCAGGGTGCCATTCCACGACTAGTTCAGTTGCTTGTTC-3'
Protein context (NP_001895.1, residues 512-532): GLIRNLALCP[Ala522Thr]NHAPLREQGA

ClinVar aggregate classification (germline): Conflicting classifications of pathogenicity. Review status: criteria provided, conflicting classifications (1 of 4 stars). 4 submissions from 4 submitters: Uncertain significance (2); Likely benign (2). Last evaluated 2026-07-29.

Conditions:
CTNNB1-related disorder. Also called: CTNNB1-related condition.

Allele frequency attached by ClinVar (database versions not stated): ExAC 0.00007.
gnomAD v4.1: 36 of 1,613,982 alleles (0.0022%); highest among the groups gnomAD compares: Admixed American, 0.02%; no homozygotes.

Submissions (4):

PreventionGenetics, part of Exact Sciences
Classification: Uncertain significance for CTNNB1-related condition. Last evaluated: 2026-07-29. Review status: criteria provided, single submitter. Criteria: ACMG Guidelines, 2015. Collection method: clinical testing. Allele origin: germline.
Comment: The CTNNB1 c.1564G>A variant is predicted to result in the amino acid substitution p.Ala522Thr. This variant has been reported8 with uncertain significance in an individual with congenital heart disease (Table S4, Sierant et al. 2025. PubMed ID: 40127276). This variant is present in 0.028% of alleles in individuals of Latino descent in gnomAD. At this time, the clinical significance of this variant is uncertain due to the absence of conclusive functional and genetic evidence.

Labcorp Genetics (formerly Invitae), Labcorp
Classification: Uncertain significance. Last evaluated: 2025-10-15. Review status: criteria provided, single submitter. Criteria: Invitae Variant Classification Sherloc (09022015). Collection method: clinical testing. Allele origin: germline.
Comment: This sequence change replaces alanine, which is neutral and non-polar, with threonine, which is neutral and polar, at codon 522 of the CTNNB1 protein (p.Ala522Thr). This variant is present in population databases (rs764576683, gnomAD 0.03%). This variant has not been reported in the literature in individuals affected with CTNNB1-related conditions. ClinVar contains an entry for this variant (Variation ID: 1206714). Invitae Evidence Modeling of protein sequence and biophysical properties (such as structural, functional, and spatial information, amino acid conservation, physicochemical variation, residue mobility, and thermodynamic stability) indicates that this missense variant is not expected to disrupt CTNNB1 protein function with a negative predictive value of 80%. In summary, the available evidence is currently insufficient to determine the role of this variant in disease. Therefore, it has been classified as a Variant of Uncertain Significance.

CeGaT Center for Human Genetics Tuebingen
Classification: Likely benign. Last evaluated: 2021-07-01. Review status: criteria provided, single submitter. Criteria: CeGaT Center For Human Genetics Tuebingen Variant Classification Criteria Version 2. Collection method: clinical testing. Allele origin: germline. Affected: yes. Observed: 1 variant allele.

GeneDx
Classification: Likely benign. Last evaluated: 2021-02-26. Review status: criteria provided, single submitter. Criteria: GeneDx Variant Classification Process June 2021. Collection method: clinical testing. Allele origin: germline. Affected: yes.
Comment: This variant is associated with the following publications: (PMID: 27389594, 28930697)